The following is an entry in ClinVar:

NM_152558.5(IQCE):c.1540del (p.Cys514fs)

Gene: IQCE (IQ motif containing E; plus strand). Cytogenetic location: 7p22.3.
Variant type: Deletion.
Coding change: c.1540del on transcript NM_152558.5 (MANE Select); coding-DNA position 1540, one base deleted (T; older notation c.1540delT).
Protein change: p.Cys514fs; shifts the reading frame from cysteine 514.
Molecular consequence: frameshift variant.
Genome position (GRCh38, 1-based): chr7:2,598,564, T deleted. VCF-style (leftmost placement, unchanged base first): chr7-2598563-CT-C. GRCh37 (hg19) VCF-style: chr7-2638197-CT-C.
Other names: c.1540del, p.Cys514fs (NM_001287499.2); c.1492del, p.Cys498fs (NM_001287500.2, NM_001410865.1); c.1345del, p.Cys449fs (NM_001287501.2, NM_001287502.2); short protein forms C449fs, C498fs, C514fs.
Identifiers: ClinVar variation 3377144 (VCV003377144.1).

ClinVar aggregate classification (germline): Pathogenic (1 of 4 stars; one submission).

Conditions:
Polydactyly, postaxial, type a7. Identifiers: MedGen C4539976, MONDO:0060550, OMIM 617642.

Submission:

Victorian Clinical Genetics Services, Murdoch Childrens Research Institute
Classification: Pathogenic for Polydactyly, postaxial, type a7. Last evaluated: 2024-10-09. Review status: criteria provided, single submitter. Criteria: ACMG Guidelines, 2015. Collection method: clinical testing. Allele origin: germline. Inheritance: Autosomal recessive inheritance. Affected: yes.
Comment: Based on the classification scheme VCGS_Germline_v1.3.4, this variant is classified as Pathogenic. Following criteria are met: 0102 - Loss of function is a known mechanism of disease in this gene and is associated with postaxial polydactyly type A7 (MIM#617642). (I) 0106 - This gene is associated with autosomal recessive disease. (I) 0115 - Variants in this gene are known to have variable expressivity. Intrafamilial variability has been described (OMIM). (I) 0201 - Variant is predicted to cause nonsense-mediated decay (NMD) and loss of protein (premature termination codon is located at least 54 nucleotides upstream of the final exon-exon junction). (SP) 0251 - This variant is heterozygous. (I) 0304 - Variant is present in gnomAD <0.01 for a recessive condition (v2: 11 heterozygotes, 0 homozygotes). (SP) 0702 - Other NMD-predicted variants comparable to the one identified in this case have strong previous evidence for pathogenicity. At least four NMD-predicted variants have been reported in individuals with postaxial polydactyly (ClinVar, PMIDs: 31549751, 28488682, 35599849). (SP) 0807 - This variant has no previous evidence of pathogenicity. (I) 0905 - No published segregation evidence has been identified for this variant. (I) 1007 - No published functional evidence has been identified for this variant. (I) 1201 - Heterozygous variant detected in trans with a second pathogenic heterozygous variant (NM_152558.4(IQCE):c.1493G>A; p.(Trp498*)) in a recessive disease. (I) Legend: (SP) - Supporting pathogenic, (I) - Information, (SB) - Supporting benign

Literature cited by the submitters: PubMed 28488682; PubMed 31549751; PubMed 35599849.